The following is an entry in ClinVar:

GRCh38/hg38 8q24.3(chr8:142201425-142550407)x1

Genes: ADGRB1 (adhesion G protein-coupled receptor B1; plus strand), LINC00051 (long intergenic non-protein coding RNA 51; plus strand), TSNARE1 (t-SNARE domain containing 1; minus strand), LOC130001296 (ATAC-STARR-seq lymphoblastoid active region 28057; plus strand), LOC130001297 (ATAC-STARR-seq lymphoblastoid active region 28058; plus strand) and 8 more. Cytogenetic location: 8q24.3.
Variant type: copy number loss.
Change: copy number 1 (one copy instead of two) of chr8:142,201,425-142,550,407 (349.0 kb, GRCh38 coordinates, 1-based), cytogenetic band 8q24.3.
Identifiers: ClinVar variation 57129 (VCV000057129.1).

ClinVar aggregate classification (germline): Pathogenic (1 of 4 stars; one submission).

Submission:

ISCA site 4
Classification: Pathogenic. Last evaluated: 2011-08-12. Review status: criteria provided, single submitter. Criteria: Kaminsky et al. (Genet Med. 2011). Collection method: clinical testing. Allele origin: de novo. Affected: yes. Observed: 1 variant allele.
Comment: Copy number variation identified through the course of routine clinical cytogenomic testing in postnatal populations. Clinical assertions have been curated as described in Kaminsky et al. 2011.